The following is an entry in ClinVar:

ClinVar aggregate classification (germline): Uncertain significance (1 of 4 stars; one submission).

gnomAD v4.1: 3 of 1,532,576 alleles (0.0002%); highest among the groups gnomAD compares: Non-Finnish European, 0.00027%; no homozygotes.

Submission:

Labcorp Genetics (formerly Invitae), Labcorp
Classification: Uncertain significance. Last evaluated: 2021-06-20. Review status: criteria provided, single submitter. Criteria: Invitae Variant Classification Sherloc (09022015). Collection method: clinical testing. Allele origin: germline.
Comment: This variant has not been reported in the literature in individuals with UNC80-related conditions. This variant is not present in population databases (ExAC no frequency). This sequence change replaces histidine with leucine at codon 2875 of the UNC80 protein (p.His2875Leu). The histidine residue is weakly conserved and there is a moderate physicochemical difference between histidine and leucine. Algorithms developed to predict the effect of missense changes on protein structure and function are either unavailable or do not agree on the potential impact of this missense change (SIFT: "Not Available"; PolyPhen-2: "Probably Damaging"; Align-GVGD: "Not Available"). In summary, the available evidence is currently insufficient to determine the role of this variant in disease. Therefore, it has been classified as a Variant of Uncertain Significance.

NM_001371986.1(UNC80):c.8822A>T (p.His2941Leu)

Gene: UNC80 (unc-80 subunit of NALCN channel complex; plus strand). Cytogenetic location: 2q34.
Variant type: single nucleotide variant.
Coding change: c.8822A>T on transcript NM_001371986.1 (MANE Select); coding-DNA position 8822, A replaced by T.
Protein change: p.His2941Leu; replaces histidine 2941 with leucine.
Molecular consequence: missense variant.
Genome position (GRCh38, 1-based): chr2:209,976,962, A>T. VCF-style: chr2-209976962-A-T. GRCh37 (hg19) VCF-style: chr2-210841686-A-T.
Other names: c.8624A>T, p.His2875Leu (NM_032504.2); c.8609A>T, p.His2870Leu (NM_182587.4); short protein forms H2941L, H2870L, H2875L.
Identifiers: ClinVar variation 1362782 (VCV001362782.8), dbSNP rs2093029810, ClinGen allele CA350414106.
Genomic context (GRCh38, chr2:209,976,962, plus strand): 5'-CTTCCTTTCAGCTGCTGGCCCAACCAGCAGAGAATCATGAAGAGCTTTCCGCCCGGCAAC[A>T]TATTGCCGACCAGCTGGAGCGGCGCTTCATACCACGCCCTTTGTGTAAGAGCTCGCTCAT-3'
Protein context (NP_001358915.1, residues 2931-2951): ENHEELSARQ[His2941Leu]IADQLERRFI